The following is an entry in ClinVar:

NC_000014.8:g.(?_23247992)_(23249270_?)dup

Gene: SLC7A7 (solute carrier family 7 member 7; minus strand). Cytogenetic location: 14q11.2.
Variant type: Duplication.
Identifiers: ClinVar variation 1514987 (VCV001514987.5).

ClinVar aggregate classification (germline): Likely pathogenic (1 of 4 stars; one submission).

Conditions:
Lysinuric protein intolerance (LPI). Identifiers: Orphanet 470, MedGen C0268647, MONDO:0009109, OMIM 222700.

Submission:

Labcorp Genetics (formerly Invitae), Labcorp
Classification: Likely pathogenic for Lysinuric protein intolerance. Last evaluated: 2022-11-28. Review status: criteria provided, single submitter. Criteria: Invitae Variant Classification Sherloc (09022015). Collection method: clinical testing. Allele origin: germline.
Comment: In summary, the currently available evidence indicates that the variant is pathogenic, but additional data are needed to prove that conclusively. Therefore, this variant has been classified as Likely Pathogenic. This variant has not been reported in the literature in individuals affected with SLC7A7-related conditions. This variant results in a copy number gain of the genomic region encompassing exon(s) 4-5 of the SLC7A7 gene. While the exact position of this variant cannot be determined from the data, sub-genic copy number gains are generally in tandem (PMID: 25640679). This variant is predicted to be out-of-frame, and may result in an absent or disrupted protein product. Loss-of-function variants in SLC7A7 are known to be pathogenic (PMID: 10631139, 17764084).

Literature cited by the submitters: PubMed 25640679; PubMed 10631139; PubMed 17764084.